The following is an entry in ClinVar:

ClinVar aggregate classification (germline): Benign. Review status: reviewed by expert panel (3 of 4 stars). 4 submissions from 4 submitters: Benign (1). 3 of the submissions do not count toward it. Last evaluated 2026-06-23.

Conditions:
Early-infantile DEE. Also called: Early infantile epileptic encephalopathy with suppression bursts; Early infantile epileptic encephalopathy; Ohtahara syndrome. Identifiers: Orphanet 1934, MedGen C0393706, MONDO:0800491.
Complex neurodevelopmental disorder. Identifiers: Orphanet 528084, MedGen C5568766, MONDO:0100038.

Allele frequency attached by ClinVar (database versions not stated): gnomAD 0.00001; gnomAD exomes 0.00001 and 0.00002; ExAC 0.00003; 1000 Genomes Project 30x 0.00016; 1000 Genomes Project 0.00020.
gnomAD v4.1: 16 of 1,576,516 alleles (0.001%); highest among the groups gnomAD compares: South Asian, 0.012%; no homozygotes.

Submissions (4):

ClinGen Epilepsy Sodium Channel Variant Curation Expert Panel, Clingen
Classification: Benign for Complex neurodevelopmental disorder. Last evaluated: 2026-06-23. Review status: reviewed by expert panel. Criteria: ClinGen EpilepsySCN ACMG Specifications SCN8A V2.0.0. Collection method: curation. Allele origin: germline.
Comment: The NM_001330260.2:c.2002A>G variant in SCN8A is a missense variant predicted to cause substitution of threonine by alanine at amino acid 668 (p.Thr668Ala). The highest population minor allele frequency in gnomAD v4.1.0 is 0.0001191 (10/83958 alleles) in the South Asian population, which is higher than the ClinGen Epilepsy Sodium Channel VCEP threshold (>0.01%) for BA1, and therefore meets this criterion (BA1). In summary, this variant meets the criteria to be classified as benign for autosomal dominant complex neurodevelopmental disorder based on the ACMG/AMP criteria applied, as specified by the ClinGen Epilepsy Sodium Channel VCEP: BA1. (VCEP Specifications Version 2.0.0; Approved 6/23/26).

Labcorp Genetics (formerly Invitae), Labcorp
Classification: Uncertain significance for Early-infantile DEE. Last evaluated: 2023-11-24. Review status: criteria provided, single submitter. Criteria: Invitae Variant Classification Sherloc (09022015). Collection method: clinical testing. Allele origin: germline. Not counted in ClinVar's aggregate classification.
Comment: This sequence change replaces threonine, which is neutral and polar, with alanine, which is neutral and non-polar, at codon 668 of the SCN8A protein (p.Thr668Ala). This variant is present in population databases (rs556325115, gnomAD 0.02%). This variant has not been reported in the literature in individuals affected with SCN8A-related conditions. ClinVar contains an entry for this variant (Variation ID: 493118). Advanced modeling of protein sequence and biophysical properties (such as structural, functional, and spatial information, amino acid conservation, physicochemical variation, residue mobility, and thermodynamic stability) performed at Invitae indicates that this missense variant is not expected to disrupt SCN8A protein function with a negative predictive value of 95%. In summary, the available evidence is currently insufficient to determine the role of this variant in disease. Therefore, it has been classified as a Variant of Uncertain Significance.

GeneDx
Classification: Uncertain significance. Last evaluated: 2022-12-16. Review status: criteria provided, single submitter. Criteria: GeneDx Variant Classification Process June 2021. Collection method: clinical testing. Allele origin: germline. Affected: yes. Not counted in ClinVar's aggregate classification.
Comment: In silico analysis supports that this missense variant has a deleterious effect on protein structure/function; Missense variants in this gene are often considered pathogenic (HGMD); This substitution is predicted to be in the cytoplasmic loop between the first and second homologous domains.; Has not been previously published as pathogenic or benign to our knowledge

CeGaT Center for Human Genetics Tuebingen
Classification: Uncertain significance. Last evaluated: 2017-12-01. Review status: criteria provided, single submitter. Criteria: CeGaT Center For Human Genetics Tuebingen Variant Classification Criteria Version 2. Collection method: clinical testing. Allele origin: germline. Affected: yes. Observed: 1 variant allele. Not counted in ClinVar's aggregate classification.

NM_001330260.2(SCN8A):c.2002A>G (p.Thr668Ala)

Gene: SCN8A (sodium voltage-gated channel alpha subunit 8; plus strand). Cytogenetic location: 12q13.13.
Variant type: single nucleotide variant.
Coding change: c.2002A>G on transcript NM_001330260.2 (MANE Select); coding-DNA position 2002, A replaced by G.
Protein change: p.Thr668Ala; replaces threonine 668 with alanine.
Molecular consequence: missense variant.
Genome position (GRCh38, 1-based): chr12:51,745,906, A>G. VCF-style: chr12-51745906-A-G. GRCh37 (hg19) VCF-style: chr12-52139690-A-G.
Other names: NM_001330260.2(SCN8A):c.2002A>G; p.Thr668Ala; c.2002A>G, p.Thr668Ala (NM_001177984.3, NM_001369788.1, NM_014191.4); c.2002A>G (NM_014191.3); short protein forms T668A.
Identifiers: ClinVar variation 493118 (VCV000493118.52), dbSNP rs556325115, ClinGen allele CA6571403.
Genomic context (GRCh38, chr12:51,745,906, plus strand): 5'-GATTTACCTTTATAGACTTAACTCACTCTATTTGCTTTTCTTTTTTTTTTTTTAAAGGCT[A>G]CAACTGAGGTGGAAATTAAGAAGAAAGGCCCTGGATCTCTTTTAGTTTCCATGGACCAAT-3'
Protein context (NP_001317189.1, residues 658-678): HIGGRLLPEA[Thr668Ala]TEVEIKKKGP